The following is an entry in ClinVar:

NM_015909.4(NBAS):c.513+6T>G

Gene: NBAS (NBAS subunit of NRZ tethering complex; minus strand). Cytogenetic location: 2p24.3.
Variant type: single nucleotide variant.
Coding change: c.513+6T>G on transcript NM_015909.4 (MANE Select); 6 bases into the intron after coding-DNA position 513, T replaced by G.
Molecular consequence: intron variant.
Genome position (GRCh38, 1-based): chr2:15,539,217, A>C on the plus strand (T>G on the coding strand, the complement: NBAS is on the minus strand). VCF-style: chr2-15539217-A-C. GRCh37 (hg19) VCF-style: chr2-15679341-A-C.
Identifiers: ClinVar variation 3044529 (VCV003044529.3), dbSNP rs2527952350, ClinGen allele CA1027860518.

ClinVar aggregate classification (germline): Likely benign. Review status: criteria provided, single submitter (1 of 4 stars). 2 submissions from 2 submitters: Likely benign (1). 1 of the submissions does not count toward it. Last evaluated 2022-06-30.

Conditions:
NBAS-related disorder. Also called: NBAS-related condition.

Submissions (2):

Blueprint Genetics
Classification: Likely benign. Last evaluated: 2022-06-30. Review status: criteria provided, single submitter. Criteria: ACMG Guidelines, 2015. Collection method: clinical testing. Allele origin: germline.

PreventionGenetics, part of Exact Sciences
Classification: Likely benign for NBAS-related condition. Last evaluated: 2021-12-09. Review status: no assertion criteria provided. Collection method: clinical testing. Allele origin: germline. Not counted in ClinVar's aggregate classification.
Comment: This variant is classified as likely benign based on ACMG/AMP sequence variant interpretation guidelines (Richards et al. 2015 PMID: 25741868, with internal and published modifications).